The following is an entry in ClinVar:

ClinVar aggregate classification (germline): Uncertain significance (1 of 4 stars; one submission).

Conditions:
Alstrom syndrome (ALMS). Identifiers: Orphanet 64, MedGen C0268425, MONDO:0008763, OMIM 203800.

Submission:

Labcorp Genetics (formerly Invitae), Labcorp
Classification: Uncertain significance for Alstrom syndrome. Last evaluated: 2021-06-01. Review status: criteria provided, single submitter. Criteria: Invitae Variant Classification Sherloc (09022015). Collection method: clinical testing. Allele origin: germline.
Comment: In summary, the available evidence is currently insufficient to determine the role of this variant in disease. Therefore, it has been classified as a Variant of Uncertain Significance. Experimental studies and prediction algorithms are not available or were not evaluated, and the functional significance of this variant is currently unknown. This variant has not been reported in the literature in individuals with ALMS1-related conditions. This variant is not present in population databases (ExAC no frequency). This sequence change replaces serine with phenylalanine at codon 809 of the ALMS1 protein (p.Ser809Phe). The serine residue is weakly conserved and there is a large physicochemical difference between serine and phenylalanine.

NM_001378454.1(ALMS1):c.2423C>T (p.Ser808Phe)

Gene: ALMS1 (ALMS1 centrosome and basal body associated protein; plus strand). Cytogenetic location: 2p13.1.
Variant type: single nucleotide variant.
Coding change: c.2423C>T on transcript NM_001378454.1 (MANE Select); coding-DNA position 2423, C replaced by T.
Protein change: p.Ser808Phe; replaces serine 808 with phenylalanine.
Molecular consequence: missense variant.
Genome position (GRCh38, 1-based): chr2:73,448,950, C>T. VCF-style: chr2-73448950-C-T. GRCh37 (hg19) VCF-style: chr2-73676077-C-T.
Other names: c.2426C>T, p.Ser809Phe (NM_015120.4); short protein forms S808F, S809F.
Identifiers: ClinVar variation 1358129 (VCV001358129.6), dbSNP rs1389525541, ClinGen allele CA347270023.
Genomic context (GRCh38, chr2:73,448,950, plus strand): 5'-TGAAAGTTTCAGCTGTTGCTGGACCAGCTGACCAGAAGACTGGCCTACCAACAGTACCCT[C>T]TAGTGCATACTCACACAGAGAGAAGCTCCTTGTTTTCTACCAACAGGCCTTGCTGGACAG-3'
Protein context (NP_001365383.1, residues 798-818): DQKTGLPTVP[Ser808Phe]SAYSHREKLL